The following is an entry in ClinVar:

NM_000548.5(TSC2):c.4552A>G (p.Ile1518Val)

Gene: TSC2 (TSC complex subunit 2; plus strand). Cytogenetic location: 16p13.3.
Variant type: single nucleotide variant.
Coding change: c.4552A>G on transcript NM_000548.5 (MANE Select); coding-DNA position 4552, A replaced by G.
Protein change: p.Ile1518Val; replaces isoleucine 1518 with valine.
Molecular consequence: missense variant.
Genome position (GRCh38, 1-based): chr16:2,085,009, A>G. VCF-style: chr16-2085009-A-G. GRCh37 (hg19) VCF-style: chr16-2135010-A-G.
Other names: c.4351A>G, p.Ile1451Val (NM_001077183.3); c.4483A>G, p.Ile1495Val (NM_001114382.3); c.4243A>G, p.Ile1415Val (NM_001318827.2); c.4207A>G, p.Ile1403Val (NM_001318829.2); c.3820A>G, p.Ile1274Val (NM_001318831.2); c.4384A>G, p.Ile1462Val (NM_001318832.2); c.4354A>G, p.Ile1452Val (NM_001363528.2); c.4420A>G, p.Ile1474Val (NM_001370404.1); and 1 more; short protein forms I1518V, I1274V, I1495V, I1403V, I1462V, I1474V, I1475V, I1415V.
Identifiers: ClinVar variation 468098 (VCV000468098.24), dbSNP rs764903148, ClinGen allele CA051585.
Genomic context (GRCh38, chr16:2,085,009, plus strand): 5'-AGTTTCGTGTTCCTGCAGCTCTACCATTCCCCCTTCTTTGGCGACGAGTCAAACAAGCCA[A>G]TCCTGCTGCCCAATGAGGTAGGCGTGGCCTCCCTCTCCTGCATCCGCTGGAGCTGTGTGG-3'
Protein context (NP_000539.2, residues 1508-1528): PFFGDESNKP[Ile1518Val]LLPNESQSFE

ClinVar aggregate classification (germline): Conflicting classifications of pathogenicity. Review status: criteria provided, conflicting classifications (1 of 4 stars). 6 submissions from 6 submitters: Uncertain significance (2); Benign (1); Likely benign (3). Last evaluated 2025-10-30.

Conditions:
Hereditary cancer-predisposing syndrome. Also called: Hereditary neoplastic syndrome; Neoplastic Syndromes, Hereditary; Tumor predisposition; Hereditary Cancer Syndrome. Identifiers: Orphanet 140162, MedGen C0027672, MeSH D009386, MONDO:0015356.
Tuberous sclerosis 2 (TSC2). Identifiers: Orphanet 805, MedGen C1860707, MONDO:0013199, OMIM 613254.

Allele frequency attached by ClinVar (database versions not stated): gnomAD exomes 0.00001 and 0.00002; TOPMed 0.00001; ExAC 0.00002; gnomAD 0.00002.
gnomAD v4.1: 13 of 1,613,214 alleles (0.00081%); highest among the groups gnomAD compares: South Asian, 0.0055%; no homozygotes.

Submissions (6):

Labcorp Genetics (formerly Invitae), Labcorp
Classification: Benign for Tuberous sclerosis 2. Last evaluated: 2025-10-30. Review status: criteria provided, single submitter. Criteria: Invitae Variant Classification Sherloc (09022015). Collection method: clinical testing. Allele origin: germline.

Women's Health and Genetics/Laboratory Corporation of America, LabCorp
Classification: Likely benign. Last evaluated: 2025-03-20. Review status: criteria provided, single submitter. Criteria: LabCorp Variant Classification Summary - May 2015. Collection method: clinical testing. Allele origin: germline.
Comment: Variant summary: TSC2 c.4552A>G (p.Ile1518Val) results in a conservative amino acid change in the encoded protein sequence. Three of five in-silico tools predict a benign effect of the variant on protein function. The variant allele was found at a frequency of 8.1e-06 in 1613214 control chromosomes, predominantly at a frequency of 5.5e-05 within the South Asian subpopulation in the gnomAD database. The available data on variant occurrences in the general population are insufficient to allow any conclusion about variant significance. However, internal scoring rules have determined that the number of unaffected individuals with this variant is inconsistent with the early onset/high penetrance of TSC2-related conditions. To our knowledge, no occurrence of c.4552A>G in individuals affected with Tuberous Sclerosis Complex and no experimental evidence demonstrating its impact on protein function have been reported. ClinVar contains an entry for this variant (Variation ID: 468098). Based on the evidence outlined above, the variant was classified as likely benign.

Ambry Genetics
Classification: Uncertain significance for Hereditary cancer-predisposing syndrome. Last evaluated: 2024-05-15. Review status: criteria provided, single submitter. Criteria: Ambry Variant Classification Scheme 2023. Collection method: clinical testing. Allele origin: germline.

Sema4
Classification: Uncertain significance for Hereditary cancer-predisposing syndrome. Last evaluated: 2022-03-09. Review status: criteria provided, single submitter. Criteria: Sema4 Curation Guidelines. Collection method: curation. Allele origin: germline.
Comment: The TSC2 c.4552A>G (p.I1518V) variant has not been reported in the literature to our knowledge. This variant was observed in 2/30608 chromosomes in the South Asian population, according to the Genome Aggregation Database (PMID: 32461654). The variant has been reported in ClinVar (Variation ID: 468098). Functional studies have not been performed, and in silico predictions of the variant's effect on protein function are inconclusive. The evidence is insufficient to meet ACMG/AMP criteria for classifying the variant as benign or pathogenic. Thus, the clinical significance of this variant is currently uncertain.

Genome-Nilou Lab
Classification: Likely benign for Tuberous sclerosis 2. Last evaluated: 2021-11-07. Review status: criteria provided, single submitter. Criteria: ACMG Guidelines, 2015. Collection method: clinical testing. Allele origin: germline. Affected: no.

GeneDx
Classification: Likely benign. Last evaluated: 2020-12-30. Review status: criteria provided, single submitter. Criteria: GeneDx Variant Classification Process June 2021. Collection method: clinical testing. Allele origin: germline. Affected: yes.
Comment: In silico analysis supports that this missense variant does not alter protein structure/function; Has not been previously published as pathogenic or benign to our knowledge; Observed in 0.0016% (4/250406 alleles) in large population cohorts (Lek et al., 2016)